The following is an entry in ClinVar:

ClinVar aggregate classification (germline): Benign/Likely benign. Review status: criteria provided, multiple submitters, no conflicts (2 of 4 stars). 2 submissions from 2 submitters: Benign (1); Likely benign (1). Last evaluated 2026-04-28.

Conditions:
Colorectal cancer, hereditary nonpolyposis, type 7. Identifiers: Orphanet 144, MedGen C1858380, MONDO:0013725, OMIM 614385.

Allele frequency attached by ClinVar (database versions not stated): gnomAD exomes 0.00001; TOPMed 0.00001; gnomAD 0.00001.
gnomAD v4.1: 18 of 1,614,048 alleles (0.0011%); highest among the groups gnomAD compares: Non-Finnish European, 0.0014%; no homozygotes.

Submissions (2):

Myriad Genetics, Inc.
Classification: Benign for Colorectal cancer, hereditary nonpolyposis, type 7. Last evaluated: 2026-04-28. Review status: criteria provided, single submitter. Criteria: Myriad Autosomal Dominant, Autosomal Recessive and X-Linked Classification Criteria (2023). Collection method: clinical testing. Allele origin: unknown.
Comment: This variant is considered benign. This variant is a silent/synonymous amino acid change and it is not expected to impact splicing.

Ambry Genetics
Classification: Likely benign. Last evaluated: 2022-02-15. Review status: criteria provided, single submitter. Criteria: Ambry Variant Classification Scheme 2023. Collection method: clinical testing. Allele origin: germline.

NM_001040108.2(MLH3):c.37T>C (p.Leu13=)

Gene: MLH3 (mutL homolog 3; minus strand). Cytogenetic location: 14q24.3.
Variant type: single nucleotide variant.
Coding change: c.37T>C on transcript NM_001040108.2 (MANE Select); coding-DNA position 37, T replaced by C.
Protein change: p.Leu13=; no amino-acid change (leucine 13 retained).
Molecular consequence: synonymous variant.
Genome position (GRCh38, 1-based): chr14:75,049,619, A>G on the plus strand (T>C on the coding strand, the complement: MLH3 is on the minus strand). VCF-style: chr14-75049619-A-G. GRCh37 (hg19) VCF-style: chr14-75516322-A-G.
Other names: c.37T>C, p.Leu13= (NM_014381.3).
Identifiers: ClinVar variation 1735061 (VCV001735061.3), dbSNP rs975722088, ClinGen allele CA263654190.
Genomic context (GRCh38, chr14:75,049,619, plus strand): 5'-TGTTGAGGGCAAGTTCCTCAACACATTGGCCCAAGGAGCTTATGGCCAAACCAGAACGCA[A>G]TTTGGCTTGTACTTCAACTGACAAGCACTTGATCATGGTAGGTAGAAAGATGGTGAGAAT-3'
Protein context (NP_001035197.1, residues 3-23): KCLSVEVQAK[Leu13=]RSGLAISSLG